The following is an entry in ClinVar:

NM_015080.4(NRXN2):c.4259A>G (p.Glu1420Gly)

Gene: NRXN2 (neurexin 2; minus strand). Cytogenetic location: 11q13.1.
Variant type: single nucleotide variant.
Coding change: c.4259A>G on transcript NM_015080.4 (MANE Select); coding-DNA position 4259, A replaced by G.
Protein change: p.Glu1420Gly; replaces glutamic acid 1420 with glycine.
Molecular consequence: missense variant. On other transcripts: intron variant (7).
Genome position (GRCh38, 1-based): chr11:64,608,076, T>C on the plus strand (A>G on the coding strand, the complement: NRXN2 is on the minus strand). VCF-style: chr11-64608076-T-C. GRCh37 (hg19) VCF-style: chr11-64375548-T-C.
Other names: c.4049A>G, p.Glu1350Gly (NM_138732.3); c.1121A>G, p.Glu374Gly (NM_138734.3); c.4229-576A>G (NM_001376266.1); c.4208-576A>G (NM_001376265.1); c.4142-576A>G (NM_001376267.1); c.4232-576A>G (NM_001376263.1); c.4253-576A>G (NM_001376262.1); c.788-576A>G (NM_001400682.1); and 1 more; short protein forms E1350G, E1420G, E374G.
Identifiers: ClinVar variation 2629817 (VCV002629817.2), dbSNP rs1319348050, ClinGen allele CA381150794.

ClinVar aggregate classification (germline): Uncertain significance. Review status: criteria provided, multiple submitters, no conflicts (2 of 4 stars). 2 submissions from 2 submitters: Uncertain significance (2). Last evaluated 2024-10-01.

Conditions:
NRXN2-related disorder. Also called: NRXN2-related condition.

Allele frequency attached by ClinVar (database versions not stated): gnomAD exomes 0.00001.
gnomAD v4.1: 14 of 1,584,878 alleles (0.00088%); highest among the groups gnomAD compares: Non-Finnish European, 0.0012%; no homozygotes.

Submissions (2):

Ambry Genetics
Classification: Uncertain significance. Last evaluated: 2024-10-01. Review status: criteria provided, single submitter. Criteria: Ambry Variant Classification Scheme 2023. Collection method: clinical testing. Allele origin: germline.

PreventionGenetics, part of Exact Sciences
Classification: Uncertain significance for NRXN2-related condition. Last evaluated: 2023-01-27. Review status: criteria provided, single submitter. Criteria: ACMG Guidelines, 2015. Collection method: clinical testing. Allele origin: germline.
Comment: The NRXN2 c.4259A>G variant is predicted to result in the amino acid substitution p.Glu1420Gly. To our knowledge, this variant has not been reported in the literature. This variant is reported in 0.00099% of alleles in individuals of European (Non-Finnish) descent in gnomAD. At this time, the clinical significance of this variant is uncertain due to the absence of conclusive functional and genetic evidence.